The following is an entry in ClinVar:

NM_006415.4(SPTLC1):c.1422G>C (p.Ter474Tyr)

Gene: SPTLC1 (serine palmitoyltransferase long chain base subunit 1; minus strand). Cytogenetic location: 9q22.31.
Variant type: single nucleotide variant.
Coding change: c.1422G>C on transcript NM_006415.4 (MANE Select); coding-DNA position 1422, G replaced by C.
Protein change: p.Ter474Tyr.
Molecular consequence: stop lost. On other transcripts: missense variant (1).
Genome position (GRCh38, 1-based): chr9:92,032,465, C>G on the plus strand (G>C on the coding strand, the complement: SPTLC1 is on the minus strand). VCF-style: chr9-92032465-C-G. GRCh37 (hg19) VCF-style: chr9-94794747-C-G.
Other names: c.1390G>C, p.Gly464Arg (NM_001281303.2); c.1056G>C, p.Ter352Tyr (NM_001368272.1); c.957G>C, p.Ter319Tyr (NM_001368273.1); short protein forms G464R.
Identifiers: ClinVar variation 2699399 (VCV002699399.3), dbSNP rs1832995665, ClinGen allele CA373788823.

ClinVar aggregate classification (germline): Uncertain significance (1 of 4 stars; one submission).

Conditions:
Hereditary sensory and autonomic neuropathy type 1 (HSAN1). Also called: HSAN 1; HSN Type I; Hereditary Sensory Neuropathy Type I. Identifiers: Orphanet 36386, MedGen C0020071, MONDO:0018213.

Submission:

Labcorp Genetics (formerly Invitae), Labcorp
Classification: Uncertain significance for Hereditary sensory and autonomic neuropathy type 1. Last evaluated: 2023-11-28. Review status: criteria provided, single submitter. Criteria: Invitae Variant Classification Sherloc (09022015). Collection method: clinical testing. Allele origin: germline.
Comment: This sequence change disrupts the translational stop signal of the SPTLC1 mRNA. It is expected to extend the length of the SPTLC1 protein by 27 additional amino acid residues. This variant is not present in population databases (gnomAD no frequency). This variant has not been reported in the literature in individuals affected with SPTLC1-related conditions. Experimental studies and prediction algorithms are not available or were not evaluated, and the functional significance of this variant is currently unknown. In summary, the available evidence is currently insufficient to determine the role of this variant in disease. Therefore, it has been classified as a Variant of Uncertain Significance.